The following is an entry in ClinVar:

NM_017436.7(A4GALT):c.478G>T (p.Ala160Ser)

Gene: A4GALT (alpha 1,4-galactosyltransferase (P1PK blood group); minus strand). Cytogenetic location: 22q13.2.
Variant type: single nucleotide variant.
Coding change: c.478G>T on transcript NM_017436.7 (MANE Select); coding-DNA position 478, G replaced by T.
Protein change: p.Ala160Ser; replaces alanine 160 with serine.
Molecular consequence: missense variant.
Genome position (GRCh38, 1-based): chr22:42,693,474, C>A on the plus strand (G>T on the coding strand, the complement: A4GALT is on the minus strand). VCF-style: chr22-42693474-C-A. GRCh37 (hg19) VCF-style: chr22-43089480-C-A.
Other names: c.478G>T, p.Ala160Ser (NM_001318038.3); short protein forms A160S.
Identifiers: ClinVar variation 2117036 (VCV002117036.4), dbSNP rs768921574, ClinGen allele CA10270294.

ClinVar aggregate classification (germline): Uncertain significance (1 of 4 stars; one submission).

gnomAD v4.1: 1 of 1,613,100 alleles (0.000062%); highest among the groups gnomAD compares: East Asian, 0.0022%; no homozygotes.

Submission:

Labcorp Genetics (formerly Invitae), Labcorp
Classification: Uncertain significance. Last evaluated: 2022-11-22. Review status: criteria provided, single submitter. Criteria: Invitae Variant Classification Sherloc (09022015). Collection method: clinical testing. Allele origin: germline.
Comment: This variant is present in population databases (rs768921574, gnomAD 0.006%). In summary, the available evidence is currently insufficient to determine the role of this variant in disease. Therefore, it has been classified as a Variant of Uncertain Significance. Algorithms developed to predict the effect of missense changes on protein structure and function output the following: SIFT: "Not Available"; PolyPhen-2: "Benign"; Align-GVGD: "Not Available". The serine amino acid residue is found in multiple mammalian species, which suggests that this missense change does not adversely affect protein function. This variant has not been reported in the literature in individuals affected with A4GALT-related conditions. This sequence change replaces alanine, which is neutral and non-polar, with serine, which is neutral and polar, at codon 160 of the A4GALT protein (p.Ala160Ser).